The following is an entry in ClinVar:

NM_002485.5(NBN):c.897-3T>C

Gene: NBN (nibrin; minus strand). Cytogenetic location: 8q21.3.
Variant type: single nucleotide variant.
Coding change: c.897-3T>C on transcript NM_002485.5 (MANE Select); 3 bases into the intron before coding-DNA position 897, T replaced by C.
Molecular consequence: intron variant.
Genome position (GRCh38, 1-based): chr8:89,964,510, A>G on the plus strand (T>C on the coding strand, the complement: NBN is on the minus strand). VCF-style: chr8-89964510-A-G. GRCh37 (hg19) VCF-style: chr8-90976738-A-G.
Other names: c.897-3T>C (NM_002485.4); c.651-3T>C (NM_001024688.3).
Identifiers: ClinVar variation 1485918 (VCV001485918.8), dbSNP rs2129787405, ClinGen allele CA2573143368.

ClinVar aggregate classification (germline): Uncertain significance. Review status: criteria provided, multiple submitters, no conflicts (2 of 4 stars). 2 submissions from 2 submitters: Uncertain significance (2). Last evaluated 2023-03-29.

Conditions:
Microcephaly, normal intelligence and immunodeficiency (NBS). Also called: BERLIN BREAKAGE SYNDROME; Nijmegen breakage syndrome; Microcephaly with normal intelligence immunodeficiency and lymphoreticular malignancies; Nonsyndromal microcephaly autosomal recessive with normal intelligence; Seemanova syndrome 2; IMMUNODEFICIENCY, MICROCEPHALY, AND CHROMOSOMAL INSTABILITY. Identifiers: Orphanet 647, MedGen C0398791, MONDO:0009623, OMIM 251260.
Hereditary cancer-predisposing syndrome. Also called: Neoplastic Syndromes, Hereditary; Tumor predisposition; Hereditary neoplastic syndrome; Hereditary Cancer Syndrome. Identifiers: Orphanet 140162, MedGen C0027672, MeSH D009386, MONDO:0015356.

Submissions (2):

Ambry Genetics
Classification: Uncertain significance for Hereditary cancer-predisposing syndrome. Last evaluated: 2023-03-29. Review status: criteria provided, single submitter. Criteria: Ambry Variant Classification Scheme 2023. Collection method: clinical testing. Allele origin: germline.
Comment: The c.897-3T>C intronic variant results from a T to C substitution 3 nucleotides upstream from coding exon 8 in the NBN gene. This nucleotide position is not well conserved in available vertebrate species. In silico splice site analysis predicts that this alteration will not have any significant effect on splicing. Since supporting evidence is limited at this time, the clinical significance of this alteration remains unclear.

Labcorp Genetics (formerly Invitae), Labcorp
Classification: Uncertain significance for Microcephaly, normal intelligence and immunodeficiency. Last evaluated: 2022-10-12. Review status: criteria provided, single submitter. Criteria: Invitae Variant Classification Sherloc (09022015). Collection method: clinical testing. Allele origin: germline.
Comment: ClinVar contains an entry for this variant (Variation ID: 1485918). This variant has not been reported in the literature in individuals affected with NBN-related conditions. This variant is not present in population databases (gnomAD no frequency). This sequence change falls in intron 7 of the NBN gene. It does not directly change the encoded amino acid sequence of the NBN protein. It affects a nucleotide within the consensus splice site. In summary, the available evidence is currently insufficient to determine the role of this variant in disease. Therefore, it has been classified as a Variant of Uncertain Significance. Variants that disrupt the consensus splice site are a relatively common cause of aberrant splicing (PMID: 17576681, 9536098). Algorithms developed to predict the effect of sequence changes on RNA splicing suggest that this variant is not likely to affect RNA splicing.

Literature cited by the submitters: PubMed 17576681 (cited by Labcorp Genetics (formerly Invitae), Labcorp); PubMed 9536098 (cited by Labcorp Genetics (formerly Invitae), Labcorp).